The following is an entry in ClinVar:

NM_000154.2(GALK1):c.415dup (p.Leu139fs)

Gene: GALK1 (galactokinase 1; minus strand). Cytogenetic location: 17q25.1.
Variant type: Duplication.
Coding change: c.415dup on transcript NM_000154.2 (MANE Select); coding-DNA position 415, one base duplicated (C; older notation c.415dupC).
Protein change: p.Leu139fs; shifts the reading frame from leucine 139.
Molecular consequence: frameshift variant.
Genome position (GRCh38, 1-based): chr17:75,763,380, G duplicated on the plus strand (C on the coding strand, the reverse complement: GALK1 is on the minus strand); the first of 2 consecutive G bases (chr17:75,763,380-75,763,381); duplicating either gives the same sequence. VCF-style (leftmost placement, unchanged base first): chr17-75763379-A-AG. GRCh37 (hg19) VCF-style: chr17-73759460-A-AG.
Other names: c.415dup, p.Leu139fs (NM_001381985.1); short protein forms L139fs.
Identifiers: ClinVar variation 5011823 (VCV005011823.1).

ClinVar aggregate classification (germline): Pathogenic (1 of 4 stars; one submission).

Conditions:
Deficiency of galactokinase. Also called: GALACTOSEMIA II; Galactokinase deficiency with cataracts. Identifiers: Orphanet 352, Orphanet 79237, MedGen C0268155, MONDO:0009255, OMIM 230200.

Submission:

Myriad Genetics, Inc.
Classification: Pathogenic for Deficiency of galactokinase. Last evaluated: 2023-09-27. Review status: criteria provided, single submitter. Criteria: Myriad Autosomal Dominant, Autosomal Recessive and X-Linked Classification Criteria (2023). Collection method: clinical testing. Allele origin: unknown.
Comment: NM_000154.1(GALK1):c.415dupC(L139Pfs*64) is expected to be pathogenic in the context of galactokinase deficiency. This variant is predicted to lead to an abnormal or absent protein product due to the creation of a premature termination codon in GALK1, a gene where loss-of-function variants are known to be pathogenic. Please note: this variant was assessed in the context of healthy population screening.